The following is an entry in ClinVar:

NM_001128431.4(SLC39A14):c.1148-9C>T

Gene: SLC39A14 (solute carrier family 39 member 14; plus strand). Cytogenetic location: 8p21.3.
Variant type: single nucleotide variant.
Coding change: c.1148-9C>T on transcript NM_001128431.4 (MANE Select); 9 bases into the intron before coding-DNA position 1148, C replaced by T.
Molecular consequence: intron variant.
Genome position (GRCh38, 1-based): chr8:22,417,642, C>T. VCF-style: chr8-22417642-C-T. GRCh37 (hg19) VCF-style: chr8-22275155-C-T.
Other names: c.1148-9C>T (NM_001135154.3, NM_001351656.2, NM_001351655.2 and 4 more transcripts); c.1178-9C>T (NM_001351657.2, NM_001351658.2, NM_001351659.2).
Identifiers: ClinVar variation 719493 (VCV000719493.10), dbSNP rs115890291, ClinGen allele CA4667554.
Genomic context (GRCh38, chr8:22,417,642, plus strand): 5'-GTGTGCATTCACCATGCCCATCTTACTCTTCCTTCCTCGTCCCTCCCCTTTTCATTCTCG[C>T]TGCTGTAGGAGACTTTGTCATCCTGCTCAACGCTGGGATGAGCATCCAACAAGCTCTCTT-3'

ClinVar aggregate classification (germline): Benign/Likely benign. Review status: criteria provided, multiple submitters, no conflicts (2 of 4 stars). 3 submissions from 3 submitters: Benign (1); Likely benign (2). Last evaluated 2026-01-20.

Conditions:
SLC39A14-related disorder. Also called: SLC39A14-related condition.

Allele frequency attached by ClinVar (database versions not stated): gnomAD exomes 0.00016 and 0.00035; ExAC 0.00044; 1000 Genomes Project 0.00160; TOPMed 0.00171; ESP Exome Variant Server 0.00192; 1000 Genomes Project 30x 0.00234.
gnomAD v4.1: 481 of 1,609,972 alleles (0.03%); highest among the groups gnomAD compares: African/African-American, 0.61%; 4 homozygotes.

Submissions (3):

Labcorp Genetics (formerly Invitae), Labcorp
Classification: Benign. Last evaluated: 2026-01-20. Review status: criteria provided, single submitter. Criteria: Invitae Variant Classification Sherloc (09022015). Collection method: clinical testing. Allele origin: germline.

PreventionGenetics, part of Exact Sciences
Classification: Likely benign for SLC39A14-related condition. Last evaluated: 2025-09-02. Review status: criteria provided, single submitter. Criteria: ACMG Guidelines, 2015. Collection method: clinical testing. Allele origin: germline.
Comment: This variant is classified as likely benign based on ACMG/AMP sequence variant interpretation guidelines (Richards et al. 2015 PMID: 25741868, with internal and published modifications).

Blueprint Genetics
Classification: Likely benign. Last evaluated: 2024-10-08. Review status: criteria provided, single submitter. Criteria: ACMG Guidelines, 2015. Collection method: clinical testing. Allele origin: germline.